The following is an entry in ClinVar:

ClinVar aggregate classification (germline): Uncertain significance. Review status: criteria provided, multiple submitters, no conflicts (2 of 4 stars). 2 submissions from 2 submitters: Uncertain significance (2). Last evaluated 2025-07-08.

Conditions:
Singleton-Merten syndrome 2 (SGMRT2). Identifiers: Orphanet 85191, MedGen C4225380, MONDO:0014575, OMIM 616298.

Submissions (2):

Labcorp Genetics (formerly Invitae), Labcorp
Classification: Uncertain significance. Last evaluated: 2025-07-08. Review status: criteria provided, single submitter. Criteria: Invitae Variant Classification Sherloc (09022015). Collection method: clinical testing. Allele origin: germline.
Comment: This sequence change creates a premature translational stop signal (p.Val273Cysfs*7) in the DDX58 gene. It is expected to result in an absent or disrupted protein product. However, the current clinical and genetic evidence is not sufficient to establish whether loss-of-function variants in DDX58 cause disease. This variant is present in population databases (rs781124785, gnomAD 0.02%). This variant has not been reported in the literature in individuals affected with DDX58-related conditions. ClinVar contains an entry for this variant (Variation ID: 1057374). Experimental studies and prediction algorithms are not available or were not evaluated, and the functional significance of this variant is currently unknown. In summary, the available evidence is currently insufficient to determine the role of this variant in disease. Therefore, it has been classified as a Variant of Uncertain Significance.

Fulgent Genetics
Classification: Uncertain significance for Singleton-Merten syndrome 2. Last evaluated: 2022-05-07. Review status: criteria provided, single submitter. Criteria: ACMG Guidelines, 2015. Collection method: clinical testing. Allele origin: unknown.

NM_014314.4(RIGI):c.816dup (p.Val273fs)

Gene: RIGI (RNA sensor RIG-I; minus strand). Cytogenetic location: 9p21.1.
Variant type: Duplication.
Coding change: c.816dup on transcript NM_014314.4 (MANE Select); coding-DNA position 816, one base duplicated (T; older notation c.816dupT).
Protein change: p.Val273fs; shifts the reading frame from valine 273.
Molecular consequence: frameshift variant.
Genome position (GRCh38, 1-based): chr9:32,488,871, A duplicated on the plus strand (T on the coding strand, the reverse complement: RIGI is on the minus strand); the first of 3 consecutive A bases (chr9:32,488,871-32,488,873); duplicating any one gives the same sequence. VCF-style (leftmost placement, unchanged base first): chr9-32488870-C-CA. GRCh37 (hg19) VCF-style: chr9-32488868-C-CA.
Other names: c.816dup, p.Val273fs (NM_001385907.1, NM_001385909.1); c.375dup, p.Val126fs (NM_001385910.1); c.207dup, p.Val70fs (NM_001385912.1); c.801dup, p.Val268fs (NM_001385913.1); c.372dup, p.Val125fs (NM_001385914.1); short protein forms V125fs, V126fs, V268fs, V273fs, V70fs.
Identifiers: ClinVar variation 1057374 (VCV001057374.8), dbSNP rs781124785, ClinGen allele CA5019973.